The following is an entry in ClinVar:

NM_000135.4(FANCA):c.2535_2536del (p.Cys846fs)

Gene: FANCA (FA complementation group A; minus strand). Cytogenetic location: 16q24.3.
Variant type: Microsatellite.
Coding change: c.2535_2536del on transcript NM_000135.4 (MANE Select); coding-DNA positions 2535 to 2536, 2 bases deleted (CT; older notation c.2535_2536delCT).
Protein change: p.Cys846fs; shifts the reading frame from cysteine 846.
Molecular consequence: frameshift variant.
Genome position (GRCh38, 1-based): chr16:89,767,206-89,767,207, AG deleted on the plus strand (CT on the coding strand, the reverse complement: FANCA is on the minus strand); deleting any 2 consecutive bases within chr16:89,767,206-89,767,213 gives the same sequence; the c. name uses the placement nearest the transcript's 3' end. VCF-style (leftmost placement, unchanged base first): chr16-89767205-CAG-C. GRCh37 (hg19) VCF-style: chr16-89833613-CAG-C.
Other names: c.2535_2536del (NM_000135.2); c.2535_2536del, p.Cys846fs (NM_001286167.3); c.2535_2536delCT (NM_000135.3); short protein forms C846fs.
Identifiers: ClinVar variation 550840 (VCV000550840.27), dbSNP rs763378933, ClinGen allele CA8251679.

ClinVar aggregate classification (germline): Pathogenic. Review status: criteria provided, multiple submitters, no conflicts (2 of 4 stars). 11 submissions from 11 submitters: Pathogenic (9). 2 of the submissions do not count toward it. Last evaluated 2026-05-12.

Conditions:
Fanconi anemia (FA). Also called: Fanconi's anemia. Identifiers: Orphanet 84, MedGen C0015625, MeSH D005199, MONDO:0019391.
Fanconi anemia complementation group A (FANCA). Also called: FANCA-Related Fanconi Anemia; Fanconi anemia, group A. Identifiers: Orphanet 84, MedGen C3469521, MONDO:0009215, OMIM 227650.

Submissions (11):

GeneDx
Classification: Pathogenic. Last evaluated: 2026-05-12. Review status: criteria provided, single submitter. Criteria: GeneDx Variant Classification Process June 2021. Collection method: clinical testing. Allele origin: germline.
Comment: Observed in the apparent homozygous state or compound heterozygous state in individuals with Fanconi anemia in published literature (PMID: 29098742, 28717661, 9371798); Frameshift variant predicted to result in protein truncation or nonsense mediated decay in a gene for which loss of function is a known mechanism of disease; Not observed at significant frequency in large population cohorts (gnomAD); This variant is associated with the following publications: (PMID: 21273304, 26976241, 27832981, 9371798, 24584348, 17924555, 35417938, 37865086, 33084842, 28717661, 29098742)

Labcorp Genetics (formerly Invitae), Labcorp
Classification: Pathogenic for Fanconi anemia. Last evaluated: 2025-11-27. Review status: criteria provided, single submitter. Criteria: Invitae Variant Classification Sherloc (09022015). Collection method: clinical testing. Allele origin: germline.
Comment: This sequence change creates a premature translational stop signal (p.Cys846Glnfs*20) in the FANCA gene. It is expected to result in an absent or disrupted protein product. Loss-of-function variants in FANCA are known to be pathogenic (PMID: 19367192). This variant is present in population databases (rs763378933, gnomAD 0.003%). This premature translational stop signal has been observed in individual(s) with Fanconi anemia (PMID: 9371798, 17924555, 21273304, 24584348, 28717661, 29098742). ClinVar contains an entry for this variant (Variation ID: 550840). For these reasons, this variant has been classified as Pathogenic.

GeneKor MSA
Classification: Pathogenic for Fanconi anemia complementation group A. Last evaluated: 2025-05-15. Review status: criteria provided, single submitter. Criteria: ACMG Guidelines, 2015. Collection method: clinical testing. Allele origin: germline. Affected: yes.
Comment: This variant is a deletion of two nucleotides in exon 27 of the FANCA mRNA (c.2535_2536del), which results in a frameshift and the creation of a premature stop codon after twenty amino acids – p.(Cys846Glnfs*20). This leads to the production of a truncated, non-functional protein. The variant is listed in the ClinVar database (VCV000550840.21). Based on the above evidence, this variant is classified as pathogenic.

Natera, Inc.
Classification: Pathogenic for Fanconi anemia. Last evaluated: 2024-12-19. Review status: criteria provided, single submitter. Criteria: Natera Variant Classification Schema (03/2026). Collection method: clinical testing. Allele origin: germline.
Comment: The c.2535_2536delCT variant in FANCA is a frameshift variant predicted to shift the reading frame beginning at codon 846 and leads to a stop codon 20 codons downstream. This variant is expected to result in nonsense mediated decay, truncation, or a dysfunctional protein product. This variant is rare in the general population with a frequency below the threshold expected for the associated phenotype(s). This variant has been observed in one or more individuals affected with the associated recessive disease, as either homozygous or compound heterozygous with a second variant (PMID: 17924555, 24584348). Given the available evidence, this variant is classified as Pathogenic.

Fulgent Genetics
Classification: Pathogenic for Fanconi anemia complementation group A. Last evaluated: 2024-02-28. Review status: criteria provided, single submitter. Criteria: ACMG Guidelines, 2015. Collection method: clinical testing. Allele origin: germline.

Baylor Genetics
Classification: Pathogenic for Fanconi anemia complementation group A. Last evaluated: 2024-01-01. Review status: criteria provided, single submitter. Criteria: ACMG Guidelines, 2015. Collection method: clinical testing. Allele origin: unknown.

Laboratorio de Genetica e Diagnostico Molecular, Hospital Israelita Albert Einstein
Classification: Pathogenic. Last evaluated: 2021-05-10. Review status: criteria provided, single submitter. Criteria: ACMG Guidelines, 2015. Collection method: clinical testing. Allele origin: germline. Affected: yes.
Comment: ACMG classification criteria: PVS1, PS4, PM2

Revvity Omics, Revvity
Classification: Pathogenic for Fanconi anemia complementation group A. Last evaluated: 2019-05-20. Review status: criteria provided, single submitter. Criteria: ACMG Guidelines, 2015. Collection method: clinical testing. Allele origin: germline.

Neuberg Centre For Genomic Medicine, NCGM
Classification: Pathogenic for Fanconi anemia complementation group A. Review status: criteria provided, single submitter. Criteria: ACMG Guidelines, 2015. Collection method: clinical testing. Allele origin: germline. Inheritance: Autosomal recessive inheritance. Affected: yes.
Comment: The frameshift variant c.2535_2536del (p.Cys846GlnfsTer20) in the FANCA gene has been reported previously in homozygous state in a family affected with Fanconi anemia (Kimble DC. et al., 2018). This variant is reported with the allele frequency (0.0008%) in the gnomAD and novel in 1000 genome database. It is submitted to ClinVar database as Pathogenic. This variant is predicted to cause loss of normal protein function through protein truncation. Loss of function variants have been previously reported to be disease causing. For these reasons, this variant has been classified as Pathogenic

Leiden Open Variation Database
Classification: Pathogenic for Fanconi anemia complementation group A. Last evaluated: 2020-02-28. Review status: no assertion criteria provided. Collection method: curation. Allele origin: germline. Affected: no. Not counted in ClinVar's aggregate classification.
Comment: Curator: Arleen D. Auerbach. Submitters to LOVD: Arleen D. Auerbach, Daniela Pilonetto, Johan de Winter.

Counsyl
Classification: Pathogenic for Fanconi anemia complementation group A. Last evaluated: 2017-02-24. Review status: no assertion criteria provided. Collection method: clinical testing. Allele origin: unknown. Not counted in ClinVar's aggregate classification.

Literature cited by the submitters: PubMed 19367192 (cited by Labcorp Genetics (formerly Invitae), Labcorp); PubMed 9371798 (cited by Labcorp Genetics (formerly Invitae), Labcorp and Counsyl); PubMed 17924555 (cited by 4 submitters); PubMed 21273304 (cited by Labcorp Genetics (formerly Invitae), Labcorp and Counsyl); PubMed 24584348 (cited by 3 submitters); PubMed 28717661 (cited by Labcorp Genetics (formerly Invitae), Labcorp); PubMed 29098742 (cited by Labcorp Genetics (formerly Invitae), Labcorp).